The following is an entry in ClinVar:

NM_001077365.2(POMT1):c.86G>T (p.Ser29Ile)

Gene: POMT1 (protein O-mannosyltransferase 1; plus strand). Cytogenetic location: 9q34.13.
Variant type: single nucleotide variant.
Coding change: c.86G>T on transcript NM_001077365.2 (MANE Select); coding-DNA position 86, G replaced by T.
Protein change: p.Ser29Ile; replaces serine 29 with isoleucine.
Molecular consequence: missense variant. On other transcripts: 5 prime UTR variant (4), non-coding transcript variant (4), intron variant (9).
Genome position (GRCh38, 1-based): chr9:131,504,304, G>T. VCF-style: chr9-131504304-G-T. GRCh37 (hg19) VCF-style: chr9-134379691-G-T.
Other names: c.86G>T, p.Ser29Ile (NM_001136113.2, NM_001353193.2, NM_001353196.2 and 2 more transcripts); c.-159G>T (NM_001353195.2); c.-386G>T (NM_001353198.2); c.-108G>T (NM_001374692.1); c.-66G>T (NM_001374695.1); c.-41+991G>T (NM_001353194.2); c.-72+991G>T (NM_001374691.1); c.-41+1231G>T (NM_001374689.1, NM_001353197.2, NM_001077366.2 and 1 more transcripts); and 2 more; short protein forms S29I.
Identifiers: ClinVar variation 1462417 (VCV001462417.3), dbSNP rs771234098, ClinGen allele CA5293140.

ClinVar aggregate classification (germline): Uncertain significance (1 of 4 stars; one submission).

Conditions:
Walker-Warburg congenital muscular dystrophy. Also called: Muscular dystrophy-dystroglycanopathy, type A; Walker-Warburg syndrome. Identifiers: Orphanet 899, MedGen C0265221, MONDO:0000171.
Autosomal recessive limb-girdle muscular dystrophy type 2K. Also called: MUSCULAR DYSTROPHY-DYSTROGLYCANOPATHY (LIMB-GIRDLE), TYPE C, 1; MUSCULAR DYSTROPHY, LIMB-GIRDLE, TYPE 2K. Identifiers: Orphanet 86812, MedGen C1836373, MONDO:0012248, OMIM 609308.
Muscular dystrophy-dystroglycanopathy (congenital with impaired intellectual development), type B, 1. Also called: Muscular dystrophy-dystroglycanopathy (congenital with intellectual disability), type B1; MUSCULAR DYSTROPHY, CONGENITAL, POMT1-RELATED. Identifiers: MedGen C5436962, MONDO:0013159, OMIM 613155.

Allele frequency attached by ClinVar (database versions not stated): gnomAD 0.00001; gnomAD exomes below 0.00001; ExAC 0.00001.
gnomAD v4.1: 9 of 1,614,100 alleles (0.00056%); highest among the groups gnomAD compares: Non-Finnish European, 0.00076%; no homozygotes.

Submission:

Labcorp Genetics (formerly Invitae), Labcorp
Classification: Uncertain significance for Muscular dystrophy-dystroglycanopathy (congenital with impaired intellectual development), type B, 1; Walker-Warburg congenital muscular dystrophy; Autosomal recessive limb-girdle muscular dystrophy type 2K. Last evaluated: 2022-06-26. Review status: criteria provided, single submitter. Criteria: Invitae Variant Classification Sherloc (09022015). Collection method: clinical testing. Allele origin: germline.
Comment: This sequence change replaces serine, which is neutral and polar, with isoleucine, which is neutral and non-polar, at codon 29 of the POMT1 protein (p.Ser29Ile). This variant is present in population databases (rs771234098, gnomAD 0.002%). This variant has not been reported in the literature in individuals affected with POMT1-related conditions. Algorithms developed to predict the effect of missense changes on protein structure and function are either unavailable or do not agree on the potential impact of this missense change (SIFT: "Tolerated"; PolyPhen-2: "Possibly Damaging"; Align-GVGD: "Class C0"). In summary, the available evidence is currently insufficient to determine the role of this variant in disease. Therefore, it has been classified as a Variant of Uncertain Significance.